The following is an entry in ClinVar:

ClinVar aggregate classification (germline): Pathogenic (1 of 4 stars; one submission).

Conditions:
Hereditary pulmonary alveolar proteinosis. Also called: Pulmonary surfactant metabolism dysfunction. Identifiers: Orphanet 264675, MedGen C3711368, MONDO:0012580.

Submission:

Ambry Genetics
Classification: Pathogenic for Hereditary pulmonary alveolar proteinosis. Last evaluated: 2015-06-02. Review status: criteria provided, single submitter. Criteria: Ambry Variant Classification Scheme 2023. Collection method: clinical testing. Allele origin: germline.
Comment: The p.E1269* variant (also known as c.3805G>T) located in coding exon 22 of the ABCA3 gene, results from a G to T substitution at nucleotide position 3805. This changes the amino acid from a glutamic acid to a stop codon within coding exon 22. Since premature stop codons are typically deleterious in nature, this alteration is interpreted as a disease-causing mutation (ACMG Recommendations for Standards for Interpretation and Reporting of Sequence Variations. Revision 2007. Genet Med. 2008;10:294).

NM_001089.3(ABCA3):c.3805G>T (p.Glu1269Ter)

Gene: ABCA3 (ATP binding cassette subfamily A member 3; minus strand). Cytogenetic location: 16p13.3.
Variant type: single nucleotide variant.
Coding change: c.3805G>T on transcript NM_001089.3 (MANE Select); coding-DNA position 3805, G replaced by T.
Protein change: p.Glu1269Ter; replaces glutamic acid 1269 with a stop codon.
Molecular consequence: nonsense.
Genome position (GRCh38, 1-based): chr16:2,284,336, C>A on the plus strand (G>T on the coding strand, the complement: ABCA3 is on the minus strand). VCF-style: chr16-2284336-C-A. GRCh37 (hg19) VCF-style: chr16-2334337-C-A.
Other names: short protein forms E1269*.
Identifiers: ClinVar variation 1735105 (VCV001735105.2), dbSNP rs776731355, ClinGen allele CA394314264.